The following is an entry in ClinVar:

ClinVar aggregate classification (germline): Uncertain significance. Review status: criteria provided, multiple submitters, no conflicts (2 of 4 stars). 2 submissions from 2 submitters: Uncertain significance (2). Last evaluated 2025-04-08.

Conditions:
Hereditary cancer-predisposing syndrome. Also called: Tumor predisposition; Neoplastic Syndromes, Hereditary; Hereditary neoplastic syndrome; Hereditary Cancer Syndrome. Identifiers: Orphanet 140162, MedGen C0027672, MeSH D009386, MONDO:0015356.

Allele frequency attached by ClinVar (database versions not stated): gnomAD 0.00001.
gnomAD v4.1: 1 of 1,613,144 alleles (0.000062%); highest among the groups gnomAD compares: African/African-American, 0.0013%; no homozygotes.

Submissions (2):

Labcorp Genetics (formerly Invitae), Labcorp
Classification: Uncertain significance. Last evaluated: 2025-04-08. Review status: criteria provided, single submitter. Criteria: Invitae Variant Classification Sherloc (09022015). Collection method: clinical testing. Allele origin: germline.
Comment: This sequence change replaces tyrosine, which is neutral and polar, with cysteine, which is neutral and slightly polar, at codon 48 of the HOXB13 protein (p.Tyr48Cys). This variant is not present in population databases (gnomAD no frequency). This variant has not been reported in the literature in individuals affected with HOXB13-related conditions. ClinVar contains an entry for this variant (Variation ID: 1516465). An algorithm developed to predict the effect of missense changes on protein structure and function (PolyPhen-2) suggests that this variant is likely to be disruptive. In summary, the available evidence is currently insufficient to determine the role of this variant in disease. Therefore, it has been classified as a Variant of Uncertain Significance.

Ambry Genetics
Classification: Uncertain significance for Hereditary cancer-predisposing syndrome. Last evaluated: 2024-09-06. Review status: criteria provided, single submitter. Criteria: Ambry Variant Classification Scheme 2023. Collection method: clinical testing. Allele origin: germline.
Comment: The p.Y48C variant (also known as c.143A>G), located in coding exon 1 of the HOXB13 gene, results from an A to G substitution at nucleotide position 143. The tyrosine at codon 48 is replaced by cysteine, an amino acid with highly dissimilar properties. This amino acid position is conserved. In addition, the in silico prediction for this alteration is inconclusive. Since supporting evidence is limited at this time, the clinical significance of this alteration remains unclear.

NM_006361.6(HOXB13):c.143A>G (p.Tyr48Cys)

Gene: HOXB13 (homeobox B13; minus strand). Cytogenetic location: 17q21.32.
Variant type: single nucleotide variant.
Coding change: c.143A>G on transcript NM_006361.6 (MANE Select); coding-DNA position 143, A replaced by G.
Protein change: p.Tyr48Cys; replaces tyrosine 48 with cysteine.
Molecular consequence: missense variant.
Genome position (GRCh38, 1-based): chr17:48,728,451, T>C on the plus strand (A>G on the coding strand, the complement: HOXB13 is on the minus strand). VCF-style: chr17-48728451-T-C. GRCh37 (hg19) VCF-style: chr17-46805813-T-C.
Other names: short protein forms Y48C.
Identifiers: ClinVar variation 1516465 (VCV001516465.11), dbSNP rs2038240305, ClinGen allele CA400109144.